The following is an entry in ClinVar:

NM_000321.3(RB1):c.624G>A (p.Met208Ile)

Gene: RB1 (RB transcriptional corepressor 1; plus strand). Cytogenetic location: 13q14.2.
Variant type: single nucleotide variant.
Coding change: c.624G>A on transcript NM_000321.3 (MANE Select); coding-DNA position 624, G replaced by A.
Protein change: p.Met208Ile; replaces methionine 208 with isoleucine.
Molecular consequence: missense variant.
Genome position (GRCh38, 1-based): chr13:48,360,033, G>A. VCF-style: chr13-48360033-G-A. GRCh37 (hg19) VCF-style: chr13-48934169-G-A.
Other names: c.624G>A, p.Met208Ile (NM_001407165.1, NM_001407166.1); short protein forms M208I.
Identifiers: ClinVar variation 2450494 (VCV002450494.2), dbSNP rs2138107618, ClinGen allele CA388158142.
Genomic context (GRCh38, chr13:48,360,033, plus strand): 5'-TCTGAATCTCTAACTTTCTTTAAAAATGTACATTTTTTTTTCAGGGGAAGTATTACAAAT[G>A]GAAGATGATCTGGTGATTTCATTTCAGTTAATGCTATGTGTCCTTGACTATTTTATTAAA-3'
Protein context (NP_000312.2, residues 198-218): FLLAKGEVLQ[Met208Ile]EDDLVISFQL

ClinVar aggregate classification (germline): Uncertain significance (1 of 4 stars; one submission).

Conditions:
Hereditary cancer-predisposing syndrome. Also called: Neoplastic Syndromes, Hereditary; Tumor predisposition; Hereditary neoplastic syndrome; Hereditary Cancer Syndrome. Identifiers: Orphanet 140162, MedGen C0027672, MeSH D009386, MONDO:0015356.

Submission:

Ambry Genetics
Classification: Uncertain significance for Hereditary cancer-predisposing syndrome. Last evaluated: 2022-11-11. Review status: criteria provided, single submitter. Criteria: Ambry Variant Classification Scheme 2023. Collection method: clinical testing. Allele origin: germline.
Comment: The p.M208I variant (also known as c.624G>A), located in coding exon 7 of the RB1 gene, results from a G to A substitution at nucleotide position 624. The methionine at codon 208 is replaced by isoleucine, an amino acid with highly similar properties. This amino acid position is conserved. In addition, this alteration is predicted to be tolerated by in silico analysis. Since supporting evidence is limited at this time, the clinical significance of this alteration remains unclear.